The following is an entry in ClinVar:

ClinVar aggregate classification (germline): Uncertain significance (1 of 4 stars; one submission).

Allele frequency attached by ClinVar (database versions not stated): gnomAD exomes below 0.00001; TOPMed 0.00001.
gnomAD v4.1: 1 of 1,612,166 alleles (0.000062%); highest among the groups gnomAD compares: African/African-American, 0.0013%; no homozygotes.

Submission:

Labcorp Genetics (formerly Invitae), Labcorp
Classification: Uncertain significance. Last evaluated: 2022-10-13. Review status: criteria provided, single submitter. Criteria: Invitae Variant Classification Sherloc (09022015). Collection method: clinical testing. Allele origin: germline.
Comment: Algorithms developed to predict the effect of missense changes on protein structure and function are either unavailable or do not agree on the potential impact of this missense change (SIFT: "Deleterious"; PolyPhen-2: "Benign"; Align-GVGD: "Class C0"). ClinVar contains an entry for this variant (Variation ID: 963319). This variant has not been reported in the literature in individuals affected with ZNF408-related conditions. This variant is not present in population databases (gnomAD no frequency). This sequence change replaces glutamic acid, which is acidic and polar, with valine, which is neutral and non-polar, at codon 176 of the ZNF408 protein (p.Glu176Val). In summary, the available evidence is currently insufficient to determine the role of this variant in disease. Therefore, it has been classified as a Variant of Uncertain Significance.

NM_024741.3(ZNF408):c.527A>T (p.Glu176Val)

Gene: ZNF408 (zinc finger protein 408; plus strand). Cytogenetic location: 11p11.2.
Variant type: single nucleotide variant.
Coding change: c.527A>T on transcript NM_024741.3 (MANE Select); coding-DNA position 527, A replaced by T.
Protein change: p.Glu176Val; replaces glutamic acid 176 with valine.
Molecular consequence: missense variant.
Genome position (GRCh38, 1-based): chr11:46,703,118, A>T. VCF-style: chr11-46703118-A-T. GRCh37 (hg19) VCF-style: chr11-46724668-A-T.
Other names: c.503A>T, p.Glu168Val (NM_001184751.2); short protein forms E168V, E176V.
Identifiers: ClinVar variation 963319 (VCV000963319.9), dbSNP rs1241761884, ClinGen allele CA380252433.